The following is an entry in ClinVar:

ClinVar aggregate classification (germline): Uncertain significance (1 of 4 stars; one submission).

Allele frequency attached by ClinVar (database versions not stated): gnomAD exomes below 0.00001; gnomAD 0.00001; TOPMed 0.00001.

Submission:

Labcorp Genetics (formerly Invitae), Labcorp
Classification: Uncertain significance. Last evaluated: 2021-08-28. Review status: criteria provided, single submitter. Criteria: Invitae Variant Classification Sherloc (09022015). Collection method: clinical testing. Allele origin: germline.
Comment: This sequence change replaces alanine with valine at codon 42 of the GRHPR protein (p.Ala42Val). The alanine residue is weakly conserved and there is a small physicochemical difference between alanine and valine. This variant is not present in population databases (ExAC no frequency). This variant has not been reported in the literature in individuals affected with GRHPR-related conditions. Algorithms developed to predict the effect of missense changes on protein structure and function output the following: SIFT: "Tolerated"; PolyPhen-2: "Benign"; Align-GVGD: "Class C0". The valine amino acid residue is found in multiple mammalian species, which suggests that this missense change does not adversely affect protein function. In summary, the available evidence is currently insufficient to determine the role of this variant in disease. Therefore, it has been classified as a Variant of Uncertain Significance.

NM_012203.2(GRHPR):c.125C>T (p.Ala42Val)

Gene: GRHPR (glyoxylate and hydroxypyruvate reductase; plus strand). Cytogenetic location: 9p13.2.
Variant type: single nucleotide variant.
Coding change: c.125C>T on transcript NM_012203.2 (MANE Select); coding-DNA position 125, C replaced by T.
Protein change: p.Ala42Val; replaces alanine 42 with valine.
Molecular consequence: missense variant.
Genome position (GRCh38, 1-based): chr9:37,424,886, C>T. VCF-style: chr9-37424886-C-T. GRCh37 (hg19) VCF-style: chr9-37424883-C-T.
Other names: short protein forms A42V.
Identifiers: ClinVar variation 2428078 (VCV002428078.3), dbSNP rs1384206562, ClinGen allele CA373441430.